The following is an entry in ClinVar:

ClinVar aggregate classification (germline): Likely benign. Review status: criteria provided, multiple submitters, no conflicts (2 of 4 stars). 2 submissions from 2 submitters: Likely benign (2). Last evaluated 2026-07-01.

Allele frequency attached by ClinVar (database versions not stated): gnomAD 0.00038; TOPMed 0.00063; ExAC 0.00075; 1000 Genomes Project 0.00180; 1000 Genomes Project 30x 0.00219.
gnomAD v4.1: 372 of 1,613,652 alleles (0.023%); highest among the groups gnomAD compares: East Asian, 0.71%; 1 homozygote.

Submissions (2):

CeGaT Center for Human Genetics Tuebingen
Classification: Likely benign. Last evaluated: 2026-07-01. Review status: criteria provided, single submitter. Criteria: CeGaT Center For Human Genetics Tuebingen Variant Classification Criteria Version 2. Collection method: clinical testing. Allele origin: germline. Affected: yes. Observed: 3 variant alleles.
Comment: PHACTR1: BP4, BP7

Blueprint Genetics
Classification: Likely benign. Last evaluated: 2024-06-10. Review status: criteria provided, single submitter. Criteria: ACMG Guidelines, 2015. Collection method: clinical testing. Allele origin: germline.

NM_030948.6(PHACTR1):c.750C>T (p.Pro250=)

Gene: PHACTR1 (phosphatase and actin regulator 1; plus strand). Cytogenetic location: 6p24.1.
Variant type: single nucleotide variant.
Coding change: c.750C>T on transcript NM_030948.6 (MANE Select); coding-DNA position 750, C replaced by T.
Protein change: p.Pro250=; no amino-acid change (proline 250 retained).
Molecular consequence: synonymous variant.
Genome position (GRCh38, 1-based): chr6:13,205,900, C>T. VCF-style: chr6-13205900-C-T. GRCh37 (hg19) VCF-style: chr6-13206132-C-T.
Other names: c.750C>T, p.Pro250= (NM_001242648.4, NM_001322308.3, NM_001322309.3 and 1 more transcripts); c.957C>T, p.Pro319= (NM_001322310.2, NM_001374582.1); c.474C>T, p.Pro158= (NM_001322311.2, NM_001322312.3, NM_001374583.2); c.681C>T, p.Pro227= (NM_001322313.2); c.960C>T, p.Pro320= (NM_001322314.4).
Identifiers: ClinVar variation 2583034 (VCV002583034.26), dbSNP rs80070708, ClinGen allele CA3639163.